The following is an entry in ClinVar:

ClinVar aggregate classification (germline): Uncertain significance (1 of 4 stars; one submission).

Conditions:
Inborn genetic diseases. Identifiers: MedGen C0950123, MeSH D030342.

Allele frequency attached by ClinVar (database versions not stated): TOPMed below 0.00001.
gnomAD v4.1: 1 of 1,613,938 alleles (0.000062%); highest among the groups gnomAD compares: Non-Finnish European, 0.000085%; no homozygotes.

Submission:

Ambry Genetics
Classification: Uncertain significance for Inborn genetic diseases. Last evaluated: 2016-08-10. Review status: criteria provided, single submitter. Criteria: Ambry Variant Classification Scheme 2023. Collection method: clinical testing. Allele origin: germline.
Comment: The p.R133S variant (also known as c.399G>T), located in coding exon 1 of the CHD7 gene, results from a G to T substitution at nucleotide position 399. The arginine at codon 133 is replaced by serine, an amino acid with dissimilar properties. This variant was not reported in population based cohorts in the following databases: Database of Single Nucleotide Polymorphisms (dbSNP), NHLBI Exome Sequencing Project (ESP), and 1000 Genomes Project. In the ESP, this variant was not observed in 6418 samples (12836 alleles) with coverage at this position. This amino acid position is well conserved in available vertebrate species. In addition, the in silico prediction for this alteration is inconclusive. Since supporting evidence is limited at this time, the clinical significance of this variant remains unclear.

NM_017780.4(CHD7):c.399G>T (p.Arg133Ser)

Gene: CHD7 (chromodomain helicase DNA binding protein 7; plus strand). Cytogenetic location: 8q12.2.
Variant type: single nucleotide variant.
Coding change: c.399G>T on transcript NM_017780.4 (MANE Select); coding-DNA position 399, G replaced by T.
Protein change: p.Arg133Ser; replaces arginine 133 with serine.
Molecular consequence: missense variant.
Genome position (GRCh38, 1-based): chr8:60,741,831, G>T. VCF-style: chr8-60741831-G-T. GRCh37 (hg19) VCF-style: chr8-61654390-G-T.
Other names: c.399G>T, p.Arg133Ser (NM_001316690.1); short protein forms R133S.
Identifiers: ClinVar variation 589352 (VCV000589352.5), dbSNP rs1261424171, ClinGen allele CA371297298.